The following is an entry in ClinVar:

ClinVar aggregate classification (germline): Uncertain significance (1 of 4 stars; one submission).

gnomAD v4.1: 2 of 1,585,542 alleles (0.00013%); highest among the groups gnomAD compares: Non-Finnish European, 0.00017%; no homozygotes.

Submission:

Labcorp Genetics (formerly Invitae), Labcorp
Classification: Uncertain significance. Last evaluated: 2024-03-05. Review status: criteria provided, single submitter. Criteria: Invitae Variant Classification Sherloc (09022015). Collection method: clinical testing. Allele origin: germline.
Comment: This sequence change replaces arginine, which is basic and polar, with lysine, which is basic and polar, at codon 127 of the SRP54 protein (p.Arg127Lys). This variant is present in population databases (rs767571482, gnomAD 0.0009%). This variant has not been reported in the literature in individuals affected with SRP54-related conditions. Advanced modeling of protein sequence and biophysical properties (such as structural, functional, and spatial information, amino acid conservation, physicochemical variation, residue mobility, and thermodynamic stability) performed at Invitae indicates that this missense variant is not expected to disrupt SRP54 protein function with a negative predictive value of 80%. In summary, the available evidence is currently insufficient to determine the role of this variant in disease. Therefore, it has been classified as a Variant of Uncertain Significance.

NM_003136.4(SRP54):c.380G>A (p.Arg127Lys)

Gene: SRP54 (signal recognition particle 54; plus strand). Cytogenetic location: 14q13.2.
Variant type: single nucleotide variant.
Coding change: c.380G>A on transcript NM_003136.4 (MANE Select); coding-DNA position 380, G replaced by A.
Protein change: p.Arg127Lys; replaces arginine 127 with lysine.
Molecular consequence: missense variant.
Genome position (GRCh38, 1-based): chr14:35,008,646, G>A. VCF-style: chr14-35008646-G-A. GRCh37 (hg19) VCF-style: chr14-35477852-G-A.
Other names: c.233G>A, p.Arg78Lys (NM_001146282.2); c.380G>A, p.Arg127Lys (NM_001411017.1); short protein forms R127K, R78K.
Identifiers: ClinVar variation 3644604 (VCV003644604.2).